The following is an entry in ClinVar:

ClinVar aggregate classification (germline): Likely benign. Review status: criteria provided, multiple submitters, no conflicts (2 of 4 stars). 3 submissions from 3 submitters: Likely benign (3). Last evaluated 2026-06-22.

Conditions:
ADGRV1-related disorder. Also called: ADGRV1-related condition; ADGRV1-related disorders.

Allele frequency attached by ClinVar (database versions not stated): gnomAD 0.00003 and 0.00004; ExAC 0.00004; gnomAD exomes 0.00004; TOPMed 0.00005.
gnomAD v4.1: 15 of 1,611,364 alleles (0.00093%); highest among the groups gnomAD compares: East Asian, 0.033%; no homozygotes.

Submissions (3):

PreventionGenetics, part of Exact Sciences
Classification: Likely benign for ADGRV1-related condition. Last evaluated: 2026-06-22. Review status: criteria provided, single submitter. Criteria: ACMG Guidelines, 2015. Collection method: clinical testing. Allele origin: germline.
Comment: This variant is classified as likely benign based on ACMG/AMP sequence variant interpretation guidelines (Richards et al. 2015 PMID: 25741868, with internal and published modifications).

Labcorp Genetics (formerly Invitae), Labcorp
Classification: Likely benign. Last evaluated: 2025-12-27. Review status: criteria provided, single submitter. Criteria: Invitae Variant Classification Sherloc (09022015). Collection method: clinical testing. Allele origin: germline.

Blueprint Genetics
Classification: Likely benign. Last evaluated: 2022-05-27. Review status: criteria provided, single submitter. Criteria: ACMG Guidelines, 2015. Collection method: clinical testing. Allele origin: germline.

NM_032119.4(ADGRV1):c.13410C>A (p.Ile4470=)

Gene: ADGRV1 (adhesion G protein-coupled receptor V1; plus strand). Cytogenetic location: 5q14.3.
Variant type: single nucleotide variant.
Coding change: c.13410C>A on transcript NM_032119.4 (MANE Select); coding-DNA position 13410, C replaced by A.
Protein change: p.Ile4470=; no amino-acid change (isoleucine 4470 retained).
Molecular consequence: synonymous variant. On other transcripts: non-coding transcript variant (1).
Genome position (GRCh38, 1-based): chr5:90,783,302, C>A. VCF-style: chr5-90783302-C-A. GRCh37 (hg19) VCF-style: chr5-90079119-C-A.
Other names: c.13410C>A (NM_032119.3).
Identifiers: ClinVar variation 1539092 (VCV001539092.10), dbSNP rs747011128, ClinGen allele CA3341512.